The following is an entry in ClinVar:

ClinVar aggregate classification (germline): Pathogenic (1 of 4 stars; one submission).

Conditions:
Hereditary breast ovarian cancer syndrome. Also called: Hereditary breast and ovarian cancer syndrome (HBOC); Hereditary breast and/or ovarian cancer syndrome; Hereditary breast and ovarian cancer syndrome; Breast and ovarian cancer; BRCA1- and BRCA2-Associated Hereditary Breast and Ovarian Cancer; Hereditary breast and ovarian cancer. Identifiers: Orphanet 145, MedGen C0677776, MeSH D061325, MONDO:0003582. Disease mechanism: loss of function.

Submission:

Labcorp Genetics (formerly Invitae), Labcorp
Classification: Pathogenic for Hereditary breast and ovarian cancer syndrome. Last evaluated: 2019-10-07. Review status: criteria provided, single submitter. Criteria: Invitae Variant Classification Sherloc (09022015). Collection method: clinical testing. Allele origin: germline.
Comment: This sequence change inserts a large fragment of DNA, likely a transposable element, in exon 10 of the BRCA1 gene (c.3950_3951insAlu), causing a frameshift at codon 1317 (p.Leu1317fs). The exact size and sequence of the insertion cannot be determined by the current assay. However, the insertion is expected to result in an absent or disrupted protein product. This variant is not present in population databases (ExAC no frequency). This variant has not been reported in the literature in individuals with BRCA1-related conditions. Retrotransposon insertions including LINE1 (L1), Alu, and SVA (SINE-VNTR-Alu) have been reported to be disease-causing through disruption of either a coding region or splice site (PMID: 19763152, 20307669, 22406018) and loss-of-function variants in BRCA1 are known to be pathogenic (PMID: 20104584). For these reasons, this variant has been classified as Pathogenic.

Literature cited by the submitters: PubMed 19763152; PubMed 20104584; PubMed 20307669; PubMed 22406018.

NM_007294.3:c.3950_3951insAlu

Gene: BRCA1 (BRCA1 DNA repair associated; minus strand). Cytogenetic location: 17q21.31.
Variant type: Insertion.
Identifiers: ClinVar variation 870298 (VCV000870298.1).